The following is an entry in ClinVar:

NM_020884.7(MYH7B):c.3226G>A (p.Ala1076Thr)

Gene: MYH7B (myosin heavy chain 7B; plus strand). Cytogenetic location: 20q11.22.
Variant type: single nucleotide variant.
Coding change: c.3226G>A on transcript NM_020884.7 (MANE Select); coding-DNA position 3226, G replaced by A.
Protein change: p.Ala1076Thr; replaces alanine 1076 with threonine.
Molecular consequence: missense variant.
Genome position (GRCh38, 1-based): chr20:34,996,718, G>A. VCF-style: chr20-34996718-G-A. GRCh37 (hg19) VCF-style: chr20-33584521-G-A.
Other names: c.3352G>A (NM_020884.3); short protein forms A1076T.
Identifiers: ClinVar variation 1509316 (VCV001509316.8), dbSNP rs774221345, ClinGen allele CA9827670.

ClinVar aggregate classification (germline): Conflicting classifications of pathogenicity. Review status: criteria provided, conflicting classifications (1 of 4 stars). 3 submissions from 3 submitters: Uncertain significance (2); Likely benign (1). Last evaluated 2025-12-01.

Allele frequency attached by ClinVar (database versions not stated): gnomAD 0.00012 and 0.00018; TOPMed 0.00020; gnomAD exomes 0.00021 and 0.00029; ExAC 0.00026.
gnomAD v4.1: 361 of 1,613,530 alleles (0.022%); highest among the groups gnomAD compares: Middle Eastern, 0.73%; 1 homozygote.

Submissions (3):

Labcorp Genetics (formerly Invitae), Labcorp
Classification: Uncertain significance. Last evaluated: 2025-12-01. Review status: criteria provided, single submitter. Criteria: Invitae Variant Classification Sherloc (09022015). Collection method: clinical testing. Allele origin: germline.
Comment: This sequence change replaces alanine, which is neutral and non-polar, with threonine, which is neutral and polar, at codon 1118 of the MYH7B protein (p.Ala1118Thr). This variant is present in population databases (rs774221345, gnomAD 0.1%), and has an allele count higher than expected for a pathogenic variant. This variant has not been reported in the literature in individuals affected with MYH7B-related conditions. ClinVar contains an entry for this variant (Variation ID: 1509316). Invitae Evidence Modeling of protein sequence and biophysical properties (such as structural, functional, and spatial information, amino acid conservation, physicochemical variation, residue mobility, and thermodynamic stability) indicates that this missense variant is not expected to disrupt MYH7B protein function with a negative predictive value of 80%. In summary, the available evidence is currently insufficient to determine the role of this variant in disease. Therefore, it has been classified as a Variant of Uncertain Significance.

Ambry Genetics
Classification: Likely benign. Last evaluated: 2021-08-02. Review status: criteria provided, single submitter. Criteria: Ambry Variant Classification Scheme 2023. Collection method: clinical testing. Allele origin: germline.

Breakthrough Genomics
Classification: Uncertain significance. Review status: criteria provided, single submitter. Criteria: ACMG Guidelines, 2015. Collection method: not provided. Allele origin: germline. Inheritance: Autosomal dominant inheritance. Affected: yes.